The following is an entry in ClinVar:

NM_006904.7(PRKDC):c.2557A>G (p.Ile853Val)

Gene: PRKDC (protein kinase, DNA-activated, catalytic subunit; minus strand). Cytogenetic location: 8q11.21.
Variant type: single nucleotide variant.
Coding change: c.2557A>G on transcript NM_006904.7 (MANE Select); coding-DNA position 2557, A replaced by G.
Protein change: p.Ile853Val; replaces isoleucine 853 with valine.
Molecular consequence: missense variant.
Genome position (GRCh38, 1-based): chr8:47,915,388, T>C on the plus strand (A>G on the coding strand, the complement: PRKDC is on the minus strand). VCF-style: chr8-47915388-T-C. GRCh37 (hg19) VCF-style: chr8-48827948-T-C.
Other names: c.2557A>G, p.Ile853Val (NM_001081640.2); short protein forms I853V.
Identifiers: ClinVar variation 1793024 (VCV001793024.2), dbSNP rs2551877074, ClinGen allele CA371159961.
Genomic context (GRCh38, chr8:47,915,388, plus strand): 5'-CTGTCAGAAGATTTTTGTTTATTTGTCCTCCTAGAGATCCAAGCATTTGTACTACTCTAA[T>C]TCTTATTTCTTCTAAGGATATTGCTTCGTTCTGTAAATTTGAACAATTGTATATATGTGA-3'
Protein context (NP_008835.5, residues 843-863): NEAISLEEIR[Ile853Val]RVVQMLGSLG

ClinVar aggregate classification (germline): Uncertain significance (1 of 4 stars; one submission).

Submission:

Ambry Genetics
Classification: Uncertain significance. Last evaluated: 2022-08-05. Review status: criteria provided, single submitter. Criteria: Ambry Variant Classification Scheme 2023. Collection method: clinical testing. Allele origin: germline.
Comment: The p.I853V variant (also known as c.2557A>G), located in coding exon 23 of the PRKDC gene, results from an A to G substitution at nucleotide position 2557. The isoleucine at codon 853 is replaced by valine, an amino acid with highly similar properties. This amino acid position is conserved. In addition, this alteration is predicted to be tolerated by in silico analysis. Since supporting evidence is limited at this time, the clinical significance of this alteration remains unclear.